The following is an entry in ClinVar:

NM_001042545.2(LTBP4):c.688G>T (p.Glu230Ter)

Genes: LTBP4 (latent transforming growth factor beta binding protein 4; plus strand), LOC130064475 (ATAC-STARR-seq lymphoblastoid silent region 10639; plus strand). Cytogenetic location: 19q13.2.
Variant type: single nucleotide variant.
Coding change: c.688G>T on transcript NM_001042545.2 (MANE Select); coding-DNA position 688, G replaced by T.
Protein change: p.Glu230Ter; replaces glutamic acid 230 with a stop codon.
Molecular consequence: nonsense.
Genome position (GRCh38, 1-based): chr19:40,605,650, G>T. VCF-style: chr19-40605650-G-T. GRCh37 (hg19) VCF-style: chr19-41111556-G-T.
Other names: c.889G>T, p.Glu297Ter (NM_001042544.1); c.778G>T, p.Glu260Ter (NM_003573.2); short protein forms E230*, E260*, E297*.
Identifiers: ClinVar variation 1803706 (VCV001803706.3), dbSNP rs1376567591, ClinGen allele CA405933735.

ClinVar aggregate classification (germline): Pathogenic (1 of 4 stars; one submission).

Conditions:
Cutis laxa with severe pulmonary, gastrointestinal and urinary anomalies. Also called: Cutis laxa, autosomal recessive, type IC; URBAN-RIFKIN-DAVIS SYNDROME; LTBP4-Related Cutis Laxa. Identifiers: Orphanet 221145, MedGen C2750804, MONDO:0013170, OMIM 613177. Disease mechanism: loss of function.

gnomAD v4.1: 1 of 1,566,284 alleles (0.000064%); no homozygotes.

Submission:

Illumina Laboratory Services, Illumina
Classification: Pathogenic for Cutis laxa with severe pulmonary, gastrointestinal and urinary anomalies. Last evaluated: 2022-04-20. Review status: criteria provided, single submitter. Criteria: ICSLVariantClassificationCriteria RUGD 01 April 2020. Collection method: clinical testing. Allele origin: unknown.
Comment: The LTBP4 c.688G>T (p.Glu230Ter) nonsense variant results in the substitution of glutamine at amino acid position 230 with a stop codon. Loss of normal protein function through either protein truncation or nonsense-mediated mRNA decay is expected. To our knowledge, this variant has not been reported in the peer-reviewed literature. This variant is not found in version 2.1.1 or version 3.1.2 of the Genome Aggregation Database. This variant was identified in a compound heterozygous state with a second loss-of-function variant. Based on the available evidence, the c.688G>T (p.Glu230Ter) variant is classified as pathogenic for cutis laxa with severe pulmonary, gastrointestinal, and urinary abnormalities.